The following is an entry in ClinVar:

NM_001378477.3(NYX):c.100_101insTAGCA (p.Thr34fs)

Gene: NYX (nyctalopin; plus strand). Cytogenetic location: Xp11.4.
Variant type: Insertion.
Coding change: c.100_101insTAGCA on transcript NM_001378477.3 (MANE Select); coding-DNA positions 100 to 101, TAGCA inserted.
Protein change: p.Thr34fs; shifts the reading frame from threonine 34.
Molecular consequence: frameshift variant.
Genome position: GRCh38 VCF-style: chrX-41473564-C-CAGCAT. GRCh37 (hg19) VCF-style: chrX-41332817-C-CAGCAT.
Other names: c.100_101insTAGCA, p.Thr34fs (NM_022567.3); short protein forms T34fs.
Identifiers: ClinVar variation 2133670 (VCV002133670.5), dbSNP rs2519606477, ClinGen allele CA2580100879.
Genomic context (GRCh38, chrX:41,473,564, plus strand): 5'-CCTGCCCAGCGCCTGGGCCGTGGGGGCCTGCGCCCGCGCTTGTCCCGCCGCCTGCGCCTG[C>CAGCAT]AGCACCGTGGAGCGCGGCTGCTCGGTGCGCTGCGACCGCGCGGGCCTCCTGCGGGTGCCG-3'

ClinVar aggregate classification (germline): Pathogenic/Likely pathogenic. Review status: criteria provided, multiple submitters, no conflicts (2 of 4 stars). 2 submissions from 2 submitters: Pathogenic (1); Likely pathogenic (1). Last evaluated 2022-09-05.

Conditions:
NYX-related disorder. Also called: NYX-related condition.

Submissions (2):

Blueprint Genetics
Classification: Likely pathogenic for NYX-related disorders. Last evaluated: 2022-09-05. Review status: criteria provided, single submitter. Criteria: ACMG Guidelines, 2015. Collection method: clinical testing. Allele origin: germline. Affected: yes. Observed: 1 variant allele.

Labcorp Genetics (formerly Invitae), Labcorp
Classification: Pathogenic. Last evaluated: 2022-05-04. Review status: criteria provided, single submitter. Criteria: Invitae Variant Classification Sherloc (09022015). Collection method: clinical testing. Allele origin: germline.
Comment: For these reasons, this variant has been classified as Pathogenic. This variant disrupts a region of the NYX protein in which other variant(s) (p.Cys362*) have been determined to be pathogenic (Invitae). This suggests that this is a clinically significant region of the protein, and that variants that disrupt it are likely to be disease-causing. This variant has not been reported in the literature in individuals affected with NYX-related conditions. The frequency data for this variant in the population databases is considered unreliable, as metrics indicate insufficient coverage at this position in the gnomAD database. This sequence change creates a premature translational stop signal (p.Thr39Ilefs*104) in the NYX gene. While this is not anticipated to result in nonsense mediated decay, it is expected to disrupt the last 443 amino acid(s) of the NYX protein.